The following is an entry in ClinVar:

NM_003051.4(SLC16A1):c.99T>A (p.Ser33=)

Gene: SLC16A1 (solute carrier family 16 member 1; minus strand). Cytogenetic location: 1p13.2.
Variant type: single nucleotide variant.
Coding change: c.99T>A on transcript NM_003051.4 (MANE Select); coding-DNA position 99, T replaced by A.
Protein change: p.Ser33=; no amino-acid change (serine 33 retained).
Molecular consequence: synonymous variant.
Genome position (GRCh38, 1-based): chr1:112,929,210, A>T on the plus strand (T>A on the coding strand, the complement: SLC16A1 is on the minus strand). VCF-style: chr1-112929210-A-T. GRCh37 (hg19) VCF-style: chr1-113471832-A-T.
Other names: c.99T>A, p.Ser33= (NM_001166496.2); c.99T>A (NM_003051.3).
Identifiers: ClinVar variation 3643507 (VCV003643507.3).

ClinVar aggregate classification (germline): Likely benign. Review status: criteria provided, multiple submitters, no conflicts (2 of 4 stars). 2 submissions from 2 submitters: Likely benign (2). Last evaluated 2026-05-19.

Conditions:
SLC16A1-related disorder. Also called: SLC16A1-related condition; SLC16A1-related disorders.

gnomAD v4.1: 1 of 1,614,134 alleles (0.000062%); highest among the groups gnomAD compares: Non-Finnish European, 0.000085%; no homozygotes.

Submissions (2):

PreventionGenetics, part of Exact Sciences
Classification: Likely benign for SLC16A1-related condition. Last evaluated: 2026-05-19. Review status: criteria provided, single submitter. Criteria: ACMG Guidelines, 2015. Collection method: clinical testing. Allele origin: germline.
Comment: This variant is classified as likely benign based on ACMG/AMP sequence variant interpretation guidelines (Richards et al. 2015 PMID: 25741868, with internal and published modifications).

Labcorp Genetics (formerly Invitae), Labcorp
Classification: Likely benign. Last evaluated: 2024-03-07. Review status: criteria provided, single submitter. Criteria: Invitae Variant Classification Sherloc (09022015). Collection method: clinical testing. Allele origin: germline.